The following is an entry in ClinVar:

ClinVar aggregate classification (germline): Uncertain significance. Review status: criteria provided, multiple submitters, no conflicts (2 of 4 stars). 2 submissions from 2 submitters: Uncertain significance (2). Last evaluated 2025-01-21.

Conditions:
Inborn genetic diseases. Identifiers: MedGen C0950123, MeSH D030342.

Allele frequency attached by ClinVar (database versions not stated): gnomAD 0.00002; TOPMed 0.00002.
gnomAD v4.1: 10 of 1,209,734 alleles (0.00083%); highest among the groups gnomAD compares: Non-Finnish European, 0.00022%; no homozygotes.

Submissions (2):

Ambry Genetics
Classification: Uncertain significance for Inborn genetic diseases. Last evaluated: 2025-01-21. Review status: criteria provided, single submitter. Criteria: Ambry Variant Classification Scheme 2023. Collection method: clinical testing. Allele origin: germline.

GeneDx
Classification: Uncertain significance. Last evaluated: 2021-03-30. Review status: criteria provided, single submitter. Criteria: GeneDx Variant Classification Process June 2021. Collection method: clinical testing. Allele origin: germline. Affected: yes.
Comment: In silico analysis, which includes protein predictors and evolutionary conservation, supports that this variant does not alter protein structure/function; Has not been previously published as pathogenic or benign to our knowledge; Not observed in large population cohorts (Lek et al., 2016)

NM_173495.3(PTCHD1):c.2327T>C (p.Val776Ala)

Gene: PTCHD1 (patched domain containing 1; plus strand). Cytogenetic location: Xp22.11.
Variant type: single nucleotide variant.
Coding change: c.2327T>C on transcript NM_173495.3 (MANE Select); coding-DNA position 2327, T replaced by C.
Protein change: p.Val776Ala; replaces valine 776 with alanine.
Molecular consequence: missense variant.
Genome position (GRCh38, 1-based): chrX:23,393,845, T>C. VCF-style: chrX-23393845-T-C. GRCh37 (hg19) VCF-style: chrX-23411962-T-C.
Other names: short protein forms V776A.
Identifiers: ClinVar variation 1205738 (VCV001205738.4), dbSNP rs1922901249, ClinGen allele CA412587942.
Genomic context (GRCh38, chrX:23,393,845, plus strand): 5'-GCTTAATTTATGGAATTAATTACACAATTGACAATTGTGCTCCAATGTTATCCACATTTG[T>C]TCTGGGCAAGGATTTCACAAGAACTAAATGGGTAAAAAATGCCCTGGAAGTGCATGGGGT-3'
Protein context (NP_775766.2, residues 766-786): DNCAPMLSTF[Val776Ala]LGKDFTRTKW